The following is an entry in ClinVar:

ClinVar aggregate classification (germline): Uncertain significance (1 of 4 stars; one submission).

Submission:

GeneDx
Classification: Uncertain significance. Last evaluated: 2023-05-23. Review status: criteria provided, single submitter. Criteria: GeneDx Variant Classification Process June 2021. Collection method: clinical testing. Allele origin: germline.
Comment: Not observed at significant frequency in large population cohorts (gnomAD); In silico analysis supports that this missense variant does not alter protein structure/function; Has not been previously published as pathogenic or benign to our knowledge

NM_017780.4(CHD7):c.8871T>A (p.Asp2957Glu)

Gene: CHD7 (chromodomain helicase DNA binding protein 7; plus strand). Cytogenetic location: 8q12.2.
Variant type: single nucleotide variant.
Coding change: c.8871T>A on transcript NM_017780.4 (MANE Select); coding-DNA position 8871, T replaced by A.
Protein change: p.Asp2957Glu; replaces aspartic acid 2957 with glutamic acid.
Molecular consequence: missense variant.
Genome position (GRCh38, 1-based): chr8:60,865,810, T>A. VCF-style: chr8-60865810-T-A. GRCh37 (hg19) VCF-style: chr8-61778369-T-A.
Other names: c.2724T>A, p.Asp908Glu (NM_001316690.1); short protein forms D2957E, D908E.
Identifiers: ClinVar variation 1702758 (VCV001702758.3), dbSNP rs2129771538, ClinGen allele CA371312815.
Genomic context (GRCh38, chr8:60,865,810, plus strand): 5'-GGCTGCTGACAAGGCTGAGGGAGGACCCTTTAAAGATGGAGAGACCCTTGAAGGCAGCGA[T>A]GCCGAGGAGAGCCTGGATAAGACTGCAGAGTCCTCCCTCTTAGAAGACGAAATAGCACAG-3'
Protein context (NP_060250.2, residues 2947-2967): FKDGETLEGS[Asp2957Glu]AEESLDKTAE